The following is an entry in ClinVar:

ClinVar aggregate classification (germline): Uncertain significance. Review status: criteria provided, multiple submitters, no conflicts (2 of 4 stars). 2 submissions from 2 submitters: Uncertain significance (2). Last evaluated 2025-09-26.

Conditions:
Angelman syndrome (AS). Also called: HAPPY PUPPET SYNDROME. Identifiers: Orphanet 72, MedGen C0162635, MONDO:0007113, OMIM 105830. Disease mechanism: loss of function. Inheritance: AS is caused by disruption of maternally imprinted UBE3A located within the 15q11.2-q13 Angelman syndrome/Prader-Willi syndrome (AS/PWS) region., imprinting disorder.

Allele frequency attached by ClinVar (database versions not stated): TOPMed 0.00001.
gnomAD v4.1: 1 of 1,614,074 alleles (0.000062%); highest among the groups gnomAD compares: Admixed American, 0.0017%; no homozygotes.

Submissions (2):

GeneDx
Classification: Uncertain significance. Last evaluated: 2025-09-26. Review status: criteria provided, single submitter. Criteria: GeneDx Variant Classification Process June 2021. Collection method: clinical testing. Allele origin: germline. Affected: yes.
Comment: Not observed at significant frequency in large population cohorts (gnomAD); In silico analysis suggests that this missense variant does not alter protein structure/function; Has not been previously published as pathogenic or benign to our knowledge

Labcorp Genetics (formerly Invitae), Labcorp
Classification: Uncertain significance for Angelman syndrome. Last evaluated: 2025-03-30. Review status: criteria provided, single submitter. Criteria: Invitae Variant Classification Sherloc (09022015). Collection method: clinical testing. Allele origin: germline.
Comment: This sequence change replaces valine, which is neutral and non-polar, with leucine, which is neutral and non-polar, at codon 365 of the UBE3A protein (p.Val365Leu). This variant is not present in population databases (gnomAD no frequency). This variant has not been reported in the literature in individuals affected with UBE3A-related conditions. ClinVar contains an entry for this variant (Variation ID: 1018602). Invitae Evidence Modeling of protein sequence and biophysical properties (such as structural, functional, and spatial information, amino acid conservation, physicochemical variation, residue mobility, and thermodynamic stability) has been performed for this missense variant. However, the output from this modeling did not meet the statistical confidence thresholds required to predict the impact of this variant on UBE3A protein function. In summary, the available evidence is currently insufficient to determine the role of this variant in disease. Therefore, it has been classified as a Variant of Uncertain Significance.

NM_130839.5(UBE3A):c.1153G>T (p.Val385Leu)

Genes: SNHG14 (small nucleolar RNA host gene 14; plus strand), UBE3A (ubiquitin protein ligase E3A; minus strand). Cytogenetic location: 15q11.2.
Variant type: single nucleotide variant.
Coding change: c.1153G>T on transcript NM_130839.5 (MANE Select); coding-DNA position 1153, G replaced by T.
Protein change: p.Val385Leu; replaces valine 385 with leucine.
Molecular consequence: missense variant. On other transcripts: non-coding transcript variant (1), intron variant (2).
Genome position (GRCh38, 1-based): chr15:25,371,021, C>A on the plus strand (G>T on the coding strand, the complement: UBE3A is on the minus strand). VCF-style: chr15-25371021-C-A. GRCh37 (hg19) VCF-style: chr15-25616168-C-A.
Other names: c.1162G>T, p.Val388Leu (NM_000462.5); c.1153G>T, p.Val385Leu (NM_001354505.1, NM_001354538.2, NM_001354545.2); c.1093G>T, p.Val365Leu (NM_001354506.2, NM_001354507.2, NM_001354508.2 and 17 more transcripts); c.976G>T, p.Val326Leu (NM_001354546.2); c.301+4444G>T (NM_001354551.2); c.361+4444G>T (NM_001354550.2); short protein forms V326L, V365L, V385L, V388L.
Identifiers: ClinVar variation 1018602 (VCV001018602.12), dbSNP rs763388142, ClinGen allele CA391354240.